The following is an entry in ClinVar:

NM_001080414.4(CCDC88C):c.483+1G>A

Gene: CCDC88C (coiled-coil and HOOK domain protein 88C; minus strand). Cytogenetic location: 14q32.11.
Variant type: single nucleotide variant.
Coding change: c.483+1G>A on transcript NM_001080414.4 (MANE Select); the canonical splice donor site of the intron after coding-DNA position 483, G replaced by A.
Molecular consequence: splice donor variant.
Genome position (GRCh38, 1-based): chr14:91,342,379, C>T on the plus strand (G>A on the coding strand, the complement: CCDC88C is on the minus strand). VCF-style: chr14-91342379-C-T. GRCh37 (hg19) VCF-style: chr14-91808723-C-T.
Identifiers: ClinVar variation 5005360 (VCV005005360.2).

ClinVar aggregate classification (germline): Uncertain significance (1 of 4 stars; one submission).

Conditions:
Hydrocephalus, nonsyndromic, autosomal recessive 1 (HYC1). Also called: Hydrocephalus, nonsyndromic, autosomal recessive; Congenital hydrocephalus 1. Identifiers: Orphanet 2185, MedGen C3887608, MONDO:0009360, OMIM 236600.
Spinocerebellar ataxia type 40. Identifiers: Orphanet 423275, MedGen C4518336, MONDO:0014475, OMIM 616053.

Submission:

Juno Genomics, Hangzhou Juno Genomics, Inc
Classification: Uncertain significance for Spinocerebellar ataxia type 40; Hydrocephalus, nonsyndromic, autosomal recessive 1. Review status: criteria provided, single submitter. Criteria: ACMG Guidelines, 2015. Collection method: clinical testing. Allele origin: germline.
Comment: Null variant in a gene where loss of function (LOF) is a known mechanism of disease.;Absent from controls (or at extremely low frequency if recessive) in Genome Aggregation Database.